The following is an entry in ClinVar:

NM_001377.3(DYNC2H1):c.8089-3C>A

Gene: DYNC2H1 (dynein cytoplasmic 2 heavy chain 1; plus strand). Cytogenetic location: 11q22.3.
Variant type: single nucleotide variant.
Coding change: c.8089-3C>A on transcript NM_001377.3 (MANE Select); 3 bases into the intron before coding-DNA position 8089, C replaced by A.
Molecular consequence: intron variant.
Genome position (GRCh38, 1-based): chr11:103,200,043, C>A. VCF-style: chr11-103200043-C-A. GRCh37 (hg19) VCF-style: chr11-103070772-C-A.
Other names: c.8089-3C>A (NM_001080463.2).
Identifiers: ClinVar variation 1422877 (VCV001422877.6), dbSNP rs1229906788, ClinGen allele CA670954772.

ClinVar aggregate classification (germline): Uncertain significance (1 of 4 stars; one submission).

Conditions:
Jeune thoracic dystrophy. Also called: Short-rib thoracic dysplasia; Infantile thoracic dystrophy; Thoracic pelvic phalangeal dystrophy; Jeune's syndrome; Chondroectodermal dysplasia-like syndrome; Jeune syndrome. Identifiers: Orphanet 474, MedGen C0265275, MONDO:0018770.

Allele frequency attached by ClinVar (database versions not stated): TOPMed 0.00002.
gnomAD v4.1: 7 of 1,568,820 alleles (0.00045%); highest among the groups gnomAD compares: Non-Finnish European, 0.00061%; no homozygotes.

Submission:

Labcorp Genetics (formerly Invitae), Labcorp
Classification: Uncertain significance for Jeune thoracic dystrophy. Last evaluated: 2024-02-24. Review status: criteria provided, single submitter. Criteria: Invitae Variant Classification Sherloc (09022015). Collection method: clinical testing. Allele origin: germline.
Comment: This sequence change falls in intron 49 of the DYNC2H1 gene. It does not directly change the encoded amino acid sequence of the DYNC2H1 protein. It affects a nucleotide within the consensus splice site. This variant is not present in population databases (gnomAD no frequency). This variant has not been reported in the literature in individuals affected with DYNC2H1-related conditions. ClinVar contains an entry for this variant (Variation ID: 1422877). Variants that disrupt the consensus splice site are a relatively common cause of aberrant splicing (PMID: 17576681, 9536098). Algorithms developed to predict the effect of sequence changes on RNA splicing suggest that this variant is not likely to affect RNA splicing. In summary, the available evidence is currently insufficient to determine the role of this variant in disease. Therefore, it has been classified as a Variant of Uncertain Significance.

Literature cited by the submitters: PubMed 17576681; PubMed 9536098.